The following is an entry in ClinVar:

ClinVar aggregate classification (germline): Uncertain significance (1 of 4 stars; one submission).

Conditions:
Arrhythmogenic right ventricular dysplasia 13. Also called: ARRHYTHMOGENIC RIGHT VENTRICULAR CARDIOMYOPATHY 13; Arrhythmogenic right ventricular dysplasia, familial, 13. Identifiers: MedGen C3810138, MONDO:0000908, OMIM 615616.

Submission:

Labcorp Genetics (formerly Invitae), Labcorp
Classification: Uncertain significance for Arrhythmogenic right ventricular dysplasia 13. Last evaluated: 2024-05-16. Review status: criteria provided, single submitter. Criteria: Invitae Variant Classification Sherloc (09022015). Collection method: clinical testing. Allele origin: germline.
Comment: This sequence change replaces leucine, which is neutral and non-polar, with phenylalanine, which is neutral and non-polar, at codon 147 of the CTNNA3 protein (p.Leu147Phe). This variant is not present in population databases (gnomAD no frequency). This variant has not been reported in the literature in individuals affected with CTNNA3-related conditions. Advanced modeling of protein sequence and biophysical properties (such as structural, functional, and spatial information, amino acid conservation, physicochemical variation, residue mobility, and thermodynamic stability) performed at Invitae indicates that this missense variant is expected to disrupt CTNNA3 protein function with a positive predictive value of 80%. In summary, the available evidence is currently insufficient to determine the role of this variant in disease. Therefore, it has been classified as a Variant of Uncertain Significance.

NM_013266.4(CTNNA3):c.439C>T (p.Leu147Phe)

Gene: CTNNA3 (catenin alpha 3; minus strand). Cytogenetic location: 10q21.3.
Variant type: single nucleotide variant.
Coding change: c.439C>T on transcript NM_013266.4 (MANE Select); coding-DNA position 439, C replaced by T.
Protein change: p.Leu147Phe; replaces leucine 147 with phenylalanine.
Molecular consequence: missense variant.
Genome position (GRCh38, 1-based): chr10:67,539,523, G>A on the plus strand (C>T on the coding strand, the complement: CTNNA3 is on the minus strand). VCF-style: chr10-67539523-G-A. GRCh37 (hg19) VCF-style: chr10-69299281-G-A.
Other names: c.439C>T, p.Leu147Phe (NM_001127384.3); c.475C>T, p.Leu159Phe (NM_001291133.2); short protein forms L147F, L159F.
Identifiers: ClinVar variation 3652326 (VCV003652326.2).